The following is an entry in ClinVar:

ClinVar aggregate classification (germline): Benign. Review status: criteria provided, multiple submitters, no conflicts (2 of 4 stars). 7 submissions from 7 submitters: Benign (4). 3 of the submissions do not count toward it. Last evaluated 2026-01-29.

Conditions:
Hypoparathyroidism-retardation-dysmorphism syndrome (HRDS). Also called: SANJAD-SAKATI SYNDROME. Identifiers: Orphanet 2323, MedGen C1855840, MONDO:0009426, OMIM 241410.

Allele frequency attached by ClinVar (database versions not stated): gnomAD exomes 0.00224 and 0.00612; ExAC 0.00759; 1000 Genomes Project 30x 0.02139; 1000 Genomes Project 0.02196; gnomAD 0.02282 and 0.02475; TOPMed 0.02514; ESP Exome Variant Server 0.02791.
gnomAD v4.1: 6,872 of 1,613,830 alleles (0.43%); highest among the groups gnomAD compares: African/African-American, 7.8%; 248 homozygotes.

Submissions (7):

Labcorp Genetics (formerly Invitae), Labcorp
Classification: Benign. Last evaluated: 2026-01-29. Review status: criteria provided, single submitter. Criteria: Invitae Variant Classification Sherloc (09022015). Collection method: clinical testing. Allele origin: germline.

GeneDx
Classification: Benign. Last evaluated: 2018-07-05. Review status: criteria provided, single submitter. Criteria: GeneDx Variant Classification Process June 2021. Collection method: clinical testing. Allele origin: germline. Affected: yes.

Illumina Laboratory Services, Illumina
Classification: Benign for Hypoparathyroidism-retardation-dysmorphism syndrome. Last evaluated: 2018-01-13. Review status: criteria provided, single submitter. Criteria: ICSL Variant Classification Criteria 13 December 2019. Collection method: clinical testing. Allele origin: germline.
Comment: This variant was observed in the ICSL laboratory as part of a predisposition screen in an ostensibly healthy population. It had not been previously curated by ICSL or reported in the Human Gene Mutation Database (HGMD: prior to June 1st, 2018), and was therefore a candidate for classification through an automated scoring system. Utilizing variant allele frequency, disease prevalence and penetrance estimates, and inheritance mode, an automated score was calculated to assess if this variant is too frequent to cause the disease. Based on the score and internal cut-off values, a variant classified as benign is not then subjected to further curation. The score for this variant resulted in a classification of benign for this disease.

Breakthrough Genomics
Classification: Benign. Review status: criteria provided, single submitter. Criteria: ACMG Guidelines, 2015. Collection method: not provided. Allele origin: germline. Inheritance: Autosomal recessive inheritance. Affected: yes.

Clinical Genetics, Academic Medical Center
Classification: Benign. Review status: no assertion criteria provided. Collection method: clinical testing. Allele origin: germline. Affected: yes. Study: VKGL Data-share Consensus. Not counted in ClinVar's aggregate classification.

Genome Diagnostics Laboratory, University Medical Center Utrecht
Classification: Benign. Review status: no assertion criteria provided. Collection method: clinical testing. Allele origin: germline. Affected: yes. Study: VKGL Data-share Consensus. Not counted in ClinVar's aggregate classification.

Laboratory of Diagnostic Genome Analysis, Leiden University Medical Center (LUMC)
Classification: Likely benign. Review status: no assertion criteria provided. Collection method: clinical testing. Allele origin: germline. Affected: yes. Study: VKGL Data-share Consensus. Not counted in ClinVar's aggregate classification.

NM_003193.5(TBCE):c.614T>C (p.Val205Ala)

Gene: TBCE (tubulin folding cofactor E; plus strand). Cytogenetic location: 1q42.3.
Variant type: single nucleotide variant.
Coding change: c.614T>C on transcript NM_003193.5 (MANE Select); coding-DNA position 614, T replaced by C.
Protein change: p.Val205Ala; replaces valine 205 with alanine.
Molecular consequence: missense variant.
Genome position (GRCh38, 1-based): chr1:235,430,758, T>C. VCF-style: chr1-235430758-T-C. GRCh37 (hg19) VCF-style: chr1-235594073-T-C.
Other names: c.614T>C, p.Val205Ala (NM_001079515.3, NM_001287801.2); c.275T>C, p.Val92Ala (NM_001287802.2); short protein forms V205A, V92A.
Identifiers: ClinVar variation 296297 (VCV000296297.18), dbSNP rs16832611, ClinGen allele CA1464094.
Genomic context (GRCh38, chr1:235,430,758, plus strand): 5'-TACACAGTGAAAATAAACTAAAATTTCCCTCCGGTTCAGTATTAACTGGAACGCTTTCTG[T>C]ACTGAAGGTTTTAGTCCTCAATCAAACAGGAATAACGTGGGCTGAGGTAATCATATTTCT-3'
Protein context (NP_003184.1, residues 195-215): SGSVLTGTLS[Val205Ala]LKVLVLNQTG